The following is an entry in ClinVar:

NM_054012.4(ASS1):c.174+14G>A

Gene: ASS1 (argininosuccinate synthase 1; plus strand). Cytogenetic location: 9q34.11.
Variant type: single nucleotide variant.
Coding change: c.174+14G>A on transcript NM_054012.4 (MANE Select); 14 bases into the intron after coding-DNA position 174, G replaced by A.
Molecular consequence: intron variant.
Genome position (GRCh38, 1-based): chr9:130,454,387, G>A. VCF-style: chr9-130454387-G-A. GRCh37 (hg19) VCF-style: chr9-133329774-G-A.
Other names: c.174+14G>A (NM_000050.4).
Identifiers: ClinVar variation 514607 (VCV000514607.4), dbSNP rs1554982247, ClinGen allele CA658797306.

ClinVar aggregate classification (germline): Likely benign. Review status: criteria provided, multiple submitters, no conflicts (2 of 4 stars). 2 submissions from 2 submitters: Likely benign (2). Last evaluated 2024-01-22.

Conditions:
Citrullinemia. Identifiers: Orphanet 187, MedGen C0175683, MONDO:0015991.

Allele frequency attached by ClinVar (database versions not stated): gnomAD exomes 0.00001.
gnomAD v4.1: 5 of 1,612,948 alleles (0.00031%); highest among the groups gnomAD compares: Middle Eastern, 0.05%; no homozygotes.

Submissions (2):

Labcorp Genetics (formerly Invitae), Labcorp
Classification: Likely benign for Citrullinemia. Last evaluated: 2024-01-22. Review status: criteria provided, single submitter. Criteria: Invitae Variant Classification Sherloc (09022015). Collection method: clinical testing. Allele origin: germline.

GeneDx
Classification: Likely benign. Last evaluated: 2018-01-22. Review status: criteria provided, single submitter. Criteria: GeneDx Variant Classification (06012015). Collection method: clinical testing. Allele origin: germline. Affected: yes.
Comment: This variant is considered likely benign or benign based on one or more of the following criteria: it is a conservative change, it occurs at a poorly conserved position in the protein, it is predicted to be benign by multiple in silico algorithms, and/or has population frequency not consistent with disease.